The following is an entry in ClinVar:

NM_012123.4(MTO1):c.238T>C (p.Ser80Pro)

Gene: MTO1 (mitochondrial tRNA translation optimization 1; plus strand). Cytogenetic location: 6q13.
Variant type: single nucleotide variant.
Coding change: c.238T>C on transcript NM_012123.4 (MANE Select); coding-DNA position 238, T replaced by C.
Protein change: p.Ser80Pro; replaces serine 80 with proline.
Molecular consequence: missense variant.
Genome position (GRCh38, 1-based): chr6:73,466,229, T>C. VCF-style: chr6-73466229-T-C. GRCh37 (hg19) VCF-style: chr6-74175952-T-C.
Other names: c.238T>C, p.Ser80Pro (NM_001123226.2, NM_133645.3); short protein forms S80P.
Identifiers: ClinVar variation 1463562 (VCV001463562.6), dbSNP rs1408974756, ClinGen allele CA364712496.

ClinVar aggregate classification (germline): Uncertain significance (1 of 4 stars; one submission).

Conditions:
Mitochondrial hypertrophic cardiomyopathy with lactic acidosis due to MTO1 deficiency. Also called: CARDIOMYOPATHY, INFANTILE HYPERTROPHIC MITOCHONDRIAL, AND LACTIC ACIDOSIS; Combined oxidative phosphorylation deficiency 10. Identifiers: Orphanet 314637, MedGen C4749921, MONDO:0013865, OMIM 614702.

Submission:

Labcorp Genetics (formerly Invitae), Labcorp
Classification: Uncertain significance for Mitochondrial hypertrophic cardiomyopathy with lactic acidosis due to MTO1 deficiency. Last evaluated: 2022-03-14. Review status: criteria provided, single submitter. Criteria: Invitae Variant Classification Sherloc (09022015). Collection method: clinical testing. Allele origin: germline.
Comment: This variant has not been reported in the literature in individuals affected with MTO1-related conditions. This variant is not present in population databases (gnomAD no frequency). This sequence change replaces serine, which is neutral and polar, with proline, which is neutral and non-polar, at codon 80 of the MTO1 protein (p.Ser80Pro). Algorithms developed to predict the effect of missense changes on protein structure and function are either unavailable or do not agree on the potential impact of this missense change (SIFT: "Deleterious"; PolyPhen-2: "Probably Damaging"; Align-GVGD: "Class C0"). In summary, the available evidence is currently insufficient to determine the role of this variant in disease. Therefore, it has been classified as a Variant of Uncertain Significance.